The following is an entry in ClinVar:

ClinVar aggregate classification (germline): Uncertain significance. Review status: criteria provided, multiple submitters, no conflicts (2 of 4 stars). 2 submissions from 2 submitters: Uncertain significance (2). Last evaluated 2025-07-23.

Submissions (2):

Labcorp Genetics (formerly Invitae), Labcorp
Classification: Uncertain significance. Last evaluated: 2025-07-23. Review status: criteria provided, single submitter. Criteria: Invitae Variant Classification Sherloc (09022015). Collection method: clinical testing. Allele origin: germline.
Comment: This sequence change replaces lysine, which is basic and polar, with asparagine, which is neutral and polar, at codon 482 of the SCARB1 protein (p.Lys482Asn). This variant is present in population databases (rs746306162, gnomAD 0.0009%). This variant has not been reported in the literature in individuals affected with SCARB1-related conditions. ClinVar contains an entry for this variant (Variation ID: 3437906). An algorithm developed to predict the effect of missense changes on protein structure and function (PolyPhen-2) suggests that this variant is likely to be tolerated. In summary, the available evidence is currently insufficient to determine the role of this variant in disease. Therefore, it has been classified as a Variant of Uncertain Significance.

Ambry Genetics
Classification: Uncertain significance. Last evaluated: 2024-08-27. Review status: criteria provided, single submitter. Criteria: Ambry Variant Classification Scheme 2023. Collection method: clinical testing. Allele origin: germline.

NM_005505.5(SCARB1):c.1446G>C (p.Lys482Asn)

Gene: SCARB1 (scavenger receptor class B member 1; minus strand). Cytogenetic location: 12q24.31.
Variant type: single nucleotide variant.
Coding change: c.1446G>C on transcript NM_005505.5 (MANE Select); coding-DNA position 1446, G replaced by C.
Protein change: p.Lys482Asn; replaces lysine 482 with asparagine.
Molecular consequence: missense variant. On other transcripts: non-coding transcript variant (5), intron variant (3).
Genome position (GRCh38, 1-based): chr12:124,782,767, C>G on the plus strand (G>C on the coding strand, the complement: SCARB1 is on the minus strand). VCF-style: chr12-124782767-C-G. GRCh37 (hg19) VCF-style: chr12-125267313-C-G.
Other names: c.1452G>C, p.Lys484Asn (NM_001367983.1); c.1443G>C, p.Lys481Asn (NM_001367984.1); c.1422G>C, p.Lys474Asn (NM_001367985.1); c.1362G>C, p.Lys454Asn (NM_001367986.1); c.1044G>C, p.Lys348Asn (NM_001367988.1); c.1446G>C, p.Lys482Asn (NM_001367989.1); c.1203+3590G>C (NM_001367987.1); c.1401+3590G>C (NM_001082959.2); and 1 more; short protein forms K454N, K474N, K484N, K348N, K482N, K481N.
Identifiers: ClinVar variation 3437906 (VCV003437906.2).
Genomic context (GRCh38, chr12:124,782,767, plus strand): 5'-AGAGCCCTTGGGAGCTGATGTCATCAGGGATTCAGAATAGGCCTGAATGGCCTCCTTATC[C>G]TTTGAGCCCTTTTTACTACTACTCCAAAATAAATAGCATTTCTCCTAGAAGATAACCAAG-3'
Protein context (NP_005496.4, residues 472-492): LFWSSSKKGS[Lys482Asn]DKEAIQAYSE